The following is an entry in ClinVar:

NM_020750.3(XPO5):c.3313-3C>T

Genes: POLR1C (RNA polymerase I and III subunit C; plus strand), XPO5 (exportin 5; minus strand). Cytogenetic location: 6p21.1.
Variant type: single nucleotide variant.
Coding change: c.3313-3C>T on transcript NM_020750.3 (MANE Select); 3 bases into the intron before coding-DNA position 3313, C replaced by T.
Molecular consequence: intron variant.
Genome position (GRCh38, 1-based): chr6:43,524,638, G>A on the plus strand (C>T on the coding strand, the complement: XPO5 is on the minus strand). VCF-style: chr6-43524638-G-A. GRCh37 (hg19) VCF-style: chr6-43492376-G-A.
Other names: c.922+3590G>A (NM_001363658.2, NM_001318876.2).
Identifiers: ClinVar variation 4769643 (VCV004769643.1).

ClinVar aggregate classification (germline): Uncertain significance (1 of 4 stars; one submission).

gnomAD v4.1: 4 of 1,613,496 alleles (0.00025%); highest among the groups gnomAD compares: South Asian, 0.0033%; no homozygotes.

Submission:

Labcorp Genetics (formerly Invitae), Labcorp
Classification: Uncertain significance. Last evaluated: 2025-08-07. Review status: criteria provided, single submitter. Criteria: Invitae Variant Classification Sherloc (09022015). Collection method: clinical testing. Allele origin: germline.
Comment: This sequence change falls in intron 30 of the XPO5 gene. It does not directly change the encoded amino acid sequence of the XPO5 protein. It affects a nucleotide within the consensus splice site. This variant is not present in population databases (gnomAD no frequency). This variant has not been reported in the literature in individuals affected with XPO5-related conditions. Variants that disrupt the consensus splice site are a relatively common cause of aberrant splicing (PMID: 17576681, 9536098). Algorithms developed to predict the effect of sequence changes on RNA splicing suggest that this variant is not likely to affect RNA splicing. In summary, the available evidence is currently insufficient to determine the role of this variant in disease. Therefore, it has been classified as a Variant of Uncertain Significance.

Literature cited by the submitters: PubMed 17576681; PubMed 9536098.